The following is an entry in ClinVar:

ClinVar aggregate classification (germline): Conflicting classifications of pathogenicity. Review status: criteria provided, conflicting classifications (1 of 4 stars). 2 submissions from 2 submitters: Uncertain significance (1); Likely benign (1). Last evaluated 2025-03-26.

Allele frequency attached by ClinVar (database versions not stated): ExAC 0.00007; TOPMed 0.00008; gnomAD 0.00012; 1000 Genomes Project 0.00026; 1000 Genomes Project 30x 0.00042.
gnomAD v4.1: 157 of 1,169,935 alleles (0.013%); highest among the groups gnomAD compares: Non-Finnish European, 0.017%; no homozygotes.

Submissions (2):

Ambry Genetics
Classification: Uncertain significance. Last evaluated: 2025-03-26. Review status: criteria provided, single submitter. Criteria: Ambry Variant Classification Scheme 2023. Collection method: clinical testing. Allele origin: germline.

CeGaT Center for Human Genetics Tuebingen
Classification: Likely benign. Last evaluated: 2022-12-01. Review status: criteria provided, single submitter. Criteria: CeGaT Center For Human Genetics Tuebingen Variant Classification Criteria Version 2. Collection method: clinical testing. Allele origin: germline. Affected: yes. Observed: 1 variant allele.
Comment: LRCH2: BS2; RBMXL3: BS2

NM_001145346.2(RBMXL3):c.3048C>G (p.Asp1016Glu)

Genes: LRCH2 (leucine rich repeats and calponin homology domain containing 2; minus strand), RBMXL3 (RBMX like 3; plus strand). Cytogenetic location: Xq23.
Variant type: single nucleotide variant.
Coding change: c.3048C>G on transcript NM_001145346.2 (MANE Select); coding-DNA position 3048, C replaced by G.
Protein change: p.Asp1016Glu; replaces aspartic acid 1016 with glutamic acid.
Molecular consequence: missense variant. On other transcripts: intron variant (2).
Genome position (GRCh38, 1-based): chrX:115,192,489, C>G. VCF-style: chrX-115192489-C-G. GRCh37 (hg19) VCF-style: chrX-114427052-C-G.
Other names: c.350-4119G>C (NM_001243963.2, NM_020871.4); c.3048C>G (NM_001145346.1); short protein forms D1016E.
Identifiers: ClinVar variation 2661246 (VCV002661246.24), dbSNP rs782377500, ClinGen allele CA10496537.